The following is an entry in ClinVar:

ClinVar aggregate classification (germline): Pathogenic (1 of 4 stars; one submission).

Conditions:
Tumor predisposition syndrome 2 (TPDS2). Also called: MBD4-Related Tumor Predisposition Syndrome; MBD4-associated neoplasia syndrome (MANS); MBD4-ASSOCIATED NEOPLASIA SYNDROME. Identifiers: Orphanet 661526, MedGen C5774186, MONDO:0859267, OMIM 619975.

Submission:

Myriad Genetics, Inc.
Classification: Pathogenic for Tumor predisposition syndrome 2. Last evaluated: 2025-11-26. Review status: criteria provided, single submitter. Criteria: Myriad Autosomal Dominant, Autosomal Recessive and X-Linked Classification Criteria (2023). Collection method: clinical testing. Allele origin: unknown.
Comment: This variant is considered pathogenic. This variant creates a frameshift predicted to result in premature protein truncation.

NM_001276270.2(MBD4):c.916_919del (p.Glu306fs)

Gene: MBD4 (methyl-CpG binding domain 4, DNA glycosylase; minus strand). Cytogenetic location: 3q21.3.
Variant type: Deletion.
Coding change: c.916_919del on transcript NM_001276270.2 (MANE Select); coding-DNA positions 916 to 919, 4 bases deleted (GAAA; older notation c.916_919delGAAA).
Protein change: p.Glu306fs; shifts the reading frame from glutamic acid 306.
Molecular consequence: frameshift variant. On other transcripts: intron variant (1).
Genome position (GRCh38, 1-based): chr3:129,436,725-129,436,728, TTTC deleted on the plus strand (GAAA on the coding strand, the reverse complement: MBD4 is on the minus strand); deleting any 4 consecutive bases within chr3:129,436,725-129,436,730 gives the same sequence; the c. name uses the placement nearest the transcript's 3' end. VCF-style (leftmost placement, unchanged base first): chr3-129436724-TTTTC-T. GRCh37 (hg19) VCF-style: chr3-129155567-TTTTC-T.
Other names: c.916_919del, p.Glu306fs (NM_001276271.2, NM_001276272.2, NM_003925.3); c.247+1080_247+1083del (NM_001276273.2); short protein forms E306fs.
Identifiers: ClinVar variation 4813000 (VCV004813000.1).
Genomic context (GRCh38, chr3:129,436,724, plus strand): 5'-TGTTCAGAACAAAAATTTGATCCTGAACTCAATGATCTTTCTTTTTTTTTTACAAGGCTG[TTTTC>T]TTCACTGGTCACACTGAGGGTCTCACCACATGCTCCAGCATCAGAAATGCAGACAGTTCT-3'